The following is an entry in ClinVar:

NM_004958.4(MTOR):c.7089+2T>C

Gene: MTOR (mechanistic target of rapamycin kinase; minus strand). Cytogenetic location: 1p36.22.
Variant type: single nucleotide variant.
Coding change: c.7089+2T>C on transcript NM_004958.4 (MANE Select); the canonical splice donor site of the intron after coding-DNA position 7089, T replaced by C.
Molecular consequence: splice donor variant.
Genome position (GRCh38, 1-based): chr1:11,115,394, A>G on the plus strand (T>C on the coding strand, the complement: MTOR is on the minus strand). VCF-style: chr1-11115394-A-G. GRCh37 (hg19) VCF-style: chr1-11175451-A-G.
Other names: c.5841+2T>C (NM_001386501.1); c.7089+2T>C (NM_001386500.1).
Identifiers: ClinVar variation 3340767 (VCV003340767.1).

ClinVar aggregate classification (germline): Uncertain significance (1 of 4 stars; one submission).

Submission:

GeneDx
Classification: Uncertain significance. Last evaluated: 2023-10-20. Review status: criteria provided, single submitter. Criteria: GeneDx Variant Classification Process June 2021. Collection method: clinical testing. Allele origin: germline. Affected: yes.
Comment: Not observed at significant frequency in large population cohorts (gnomAD); Canonical splice site variant in a gene for which loss-of-function is not a known mechanism of disease; Has not been previously published as pathogenic or benign to our knowledge